The following is an entry in ClinVar:

NM_004211.5(SLC6A5):c.376C>T (p.Arg126Ter)

Gene: SLC6A5 (solute carrier family 6 member 5; plus strand). Cytogenetic location: 11p15.1.
Variant type: single nucleotide variant.
Coding change: c.376C>T on transcript NM_004211.5 (MANE Select); coding-DNA position 376, C replaced by T.
Protein change: p.Arg126Ter; replaces arginine 126 with a stop codon.
Molecular consequence: nonsense. On other transcripts: 5 prime UTR variant (1).
Genome position (GRCh38, 1-based): chr11:20,601,501, C>T. VCF-style: chr11-20601501-C-T. GRCh37 (hg19) VCF-style: chr11-20623047-C-T.
Other names: c.-188C>T (NM_001318369.2); short protein forms R126*.
Identifiers: ClinVar variation 4874123 (VCV004874123.2).

ClinVar aggregate classification (germline): Pathogenic (1 of 4 stars; one submission).

gnomAD v4.1: 1 of 1,613,732 alleles (0.000062%); highest among the groups gnomAD compares: South Asian, 0.0011%; no homozygotes.

Submission:

CeGaT Center for Human Genetics Tuebingen
Classification: Pathogenic. Last evaluated: 2026-07-01. Review status: criteria provided, single submitter. Criteria: CeGaT Center For Human Genetics Tuebingen Variant Classification Criteria Version 2. Collection method: clinical testing. Allele origin: germline. Affected: yes. Observed: 2 variant alleles.
Comment: SLC6A5: PVS1, PM2